The following is an entry in ClinVar:

ClinVar aggregate classification (germline): Uncertain significance (1 of 4 stars; one submission).

Conditions:
Hypertrophic cardiomyopathy. Also called: HYPERTROPHIC MYOCARDIOPATHY. Identifiers: Orphanet 217569, MedGen C0007194, MeSH D002312, MONDO:0005045, HP:0001639.

gnomAD v4.1: 9 of 1,613,502 alleles (0.00056%); highest among the groups gnomAD compares: Non-Finnish European, 0.00076%; no homozygotes.

Submission:

All of Us Research Program, National Institutes of Health
Classification: Uncertain significance for Hypertrophic cardiomyopathy. Last evaluated: 2023-07-19. Review status: criteria provided, single submitter. Criteria: ACMG Guidelines, 2015. Collection method: clinical testing. Allele origin: germline. Inheritance: Autosomal dominant inheritance. Observed: 1 variant allele, 1 heterozygote.
Comment: This variant is located in the 3' untranslated region of the ACTC1 gene. To our knowledge, functional studies have not been reported for this variant. This variant has not been reported in individuals affected with ACTC1-related disorders in the literature. This variant has not been identified in the general population by the Genome Aggregation Database (gnomAD). The available evidence is insufficient to determine the role of this variant in disease conclusively. Therefore, this variant is classified as a Variant of Uncertain Significance.

This study involves interpretation of variants in research participants for the purpose of population health screening. Participant phenotype was not available at the time of variant classification. Additional details can be found in publication PMID: 35346344, PMCID: PMC8962531

NM_005159.5(ACTC1):c.*5C>T

Genes: GJD2-DT (GJD2 divergent transcript; plus strand), ACTC1 (actin alpha cardiac muscle 1; minus strand). Cytogenetic location: 15q14.
Variant type: single nucleotide variant.
Coding change: c.*5C>T on transcript NM_005159.5 (MANE Select); 5 bases downstream of the stop codon, C replaced by T.
Molecular consequence: 3 prime UTR variant.
Genome position (GRCh38, 1-based): chr15:34,790,407, G>A on the plus strand (C>T on the coding strand, the complement: ACTC1 is on the minus strand). VCF-style: chr15-34790407-G-A. GRCh37 (hg19) VCF-style: chr15-35082608-G-A.
Other names: c.*5C>T (NM_001406482.1, NM_001406483.1, NM_001406484.1 and 1 more transcripts).
Identifiers: ClinVar variation 3072463 (VCV003072463.1), dbSNP rs756594449, ClinGen allele CA2627662014.